The following is an entry in ClinVar:

ClinVar aggregate classification (germline): Uncertain significance (1 of 4 stars; one submission).

Allele frequency attached by ClinVar (database versions not stated): TOPMed below 0.00001; gnomAD 0.00001; gnomAD exomes 0.00001 and 0.00002; ExAC 0.00003; ESP Exome Variant Server 0.00008.
gnomAD v4.1: 22 of 1,611,072 alleles (0.0014%); highest among the groups gnomAD compares: Non-Finnish European, 0.0019%; no homozygotes.

Submission:

Labcorp Genetics (formerly Invitae), Labcorp
Classification: Uncertain significance. Last evaluated: 2022-08-16. Review status: criteria provided, single submitter. Criteria: Invitae Variant Classification Sherloc (09022015). Collection method: clinical testing. Allele origin: germline.
Comment: This sequence change replaces leucine, which is neutral and non-polar, with valine, which is neutral and non-polar, at codon 3155 of the ASPM protein (p.Leu3155Val). This variant is present in population databases (rs370863233, gnomAD 0.003%). This variant has not been reported in the literature in individuals affected with ASPM-related conditions. ClinVar contains an entry for this variant (Variation ID: 1479820). Algorithms developed to predict the effect of missense changes on protein structure and function (SIFT, PolyPhen-2, Align-GVGD) all suggest that this variant is likely to be tolerated. In summary, the available evidence is currently insufficient to determine the role of this variant in disease. Therefore, it has been classified as a Variant of Uncertain Significance.

NM_018136.5(ASPM):c.9463T>G (p.Leu3155Val)

Gene: ASPM (assembly factor for spindle microtubules; minus strand). Cytogenetic location: 1q31.3.
Variant type: single nucleotide variant.
Coding change: c.9463T>G on transcript NM_018136.5 (MANE Select); coding-DNA position 9463, T replaced by G.
Protein change: p.Leu3155Val; replaces leucine 3155 with valine.
Molecular consequence: missense variant.
Genome position (GRCh38, 1-based): chr1:197,091,023, A>C on the plus strand (T>G on the coding strand, the complement: ASPM is on the minus strand). VCF-style: chr1-197091023-A-C. GRCh37 (hg19) VCF-style: chr1-197060153-A-C.
Other names: c.4708T>G, p.Leu1570Val (NM_001206846.2); short protein forms L1570V, L3155V.
Identifiers: ClinVar variation 1479820 (VCV001479820.3), dbSNP rs370863233, ClinGen allele CA1308940.